The following is an entry in ClinVar:

ClinVar aggregate classification (germline): Uncertain significance (1 of 4 stars; one submission).

Submission:

GeneDx
Classification: Uncertain significance. Last evaluated: 2023-05-30. Review status: criteria provided, single submitter. Criteria: GeneDx Variant Classification Process June 2021. Collection method: clinical testing. Allele origin: germline. Affected: yes.
Comment: Not observed at significant frequency in large population cohorts (gnomAD); In silico analysis supports that this missense variant does not alter protein structure/function; Has not been previously published as pathogenic or benign to our knowledge

NM_001243133.2(NLRP3):c.82G>C (p.Glu28Gln)

Gene: NLRP3 (NLR family pyrin domain containing 3; plus strand). Cytogenetic location: 1q44.
Variant type: single nucleotide variant.
Coding change: c.82G>C on transcript NM_001243133.2 (MANE Select); coding-DNA position 82, G replaced by C.
Protein change: p.Glu28Gln; replaces glutamic acid 28 with glutamine.
Molecular consequence: missense variant.
Genome position (GRCh38, 1-based): chr1:247,418,882, G>C. VCF-style: chr1-247418882-G-C. GRCh37 (hg19) VCF-style: chr1-247582184-G-C.
Other names: c.82G>C, p.Glu28Gln (NM_001079821.3, NM_001127461.3, NM_001127462.3 and 1 more transcripts); c.88G>C, p.Glu30Gln (NM_004895.5); short protein forms E28Q, E30Q.
Identifiers: ClinVar variation 3362000 (VCV003362000.1).